The following is an entry in ClinVar:

ClinVar aggregate classification (germline): Uncertain significance (1 of 4 stars; one submission).

Allele frequency attached by ClinVar (database versions not stated): gnomAD exomes 0.00001; gnomAD 0.00012; TOPMed 0.00012; 1000 Genomes Project 30x 0.00016; 1000 Genomes Project 0.00020.

Submission:

Labcorp Genetics (formerly Invitae), Labcorp
Classification: Uncertain significance. Last evaluated: 2024-03-05. Review status: criteria provided, single submitter. Criteria: Invitae Variant Classification Sherloc (09022015). Collection method: clinical testing. Allele origin: germline.
Comment: This sequence change replaces threonine, which is neutral and polar, with serine, which is neutral and polar, at codon 96 of the MMP9 protein (p.Thr96Ser). This variant is present in population databases (rs562814692, gnomAD 0.01%). This variant has not been reported in the literature in individuals affected with MMP9-related conditions. ClinVar contains an entry for this variant (Variation ID: 1383105). Advanced modeling of protein sequence and biophysical properties (such as structural, functional, and spatial information, amino acid conservation, physicochemical variation, residue mobility, and thermodynamic stability) performed at Invitae indicates that this missense variant is not expected to disrupt MMP9 protein function with a negative predictive value of 80%. In summary, the available evidence is currently insufficient to determine the role of this variant in disease. Therefore, it has been classified as a Variant of Uncertain Significance.

NM_004994.3(MMP9):c.287C>G (p.Thr96Ser)

Gene: MMP9 (matrix metallopeptidase 9; plus strand). Cytogenetic location: 20q13.12.
Variant type: single nucleotide variant.
Coding change: c.287C>G on transcript NM_004994.3 (MANE Select); coding-DNA position 287, C replaced by G.
Protein change: p.Thr96Ser; replaces threonine 96 with serine.
Molecular consequence: missense variant.
Genome position (GRCh38, 1-based): chr20:46,010,014, C>G. VCF-style: chr20-46010014-C-G. GRCh37 (hg19) VCF-style: chr20-44638653-C-G.
Other names: short protein forms T96S.
Identifiers: ClinVar variation 1383105 (VCV001383105.8), dbSNP rs562814692, ClinGen allele CA315634038.